The following is an entry in ClinVar:

ClinVar aggregate classification (germline): Likely benign (1 of 4 stars; one submission).

Conditions:
SFTPA1-related disorder. Also called: SFTPA1-related condition.

Submission:

PreventionGenetics, part of Exact Sciences
Classification: Likely benign for SFTPA1-related condition. Last evaluated: 2025-01-31. Review status: criteria provided, single submitter. Criteria: ACMG Guidelines, 2015. Collection method: clinical testing. Allele origin: germline.
Comment: This variant is classified as likely benign based on ACMG/AMP sequence variant interpretation guidelines (Richards et al. 2015 PMID: 25741868, with internal and published modifications).

NM_005411.5(SFTPA1):c.-23-153G>T

Gene: SFTPA1 (surfactant protein A1; plus strand). Cytogenetic location: 10q22.3.
Variant type: single nucleotide variant.
Coding change: c.-23-153G>T on transcript NM_005411.5 (MANE Select); 153 bases into the intron before 23 bases upstream of the start codon, G replaced by T.
Molecular consequence: intron variant.
Genome position (GRCh38, 1-based): chr10:79,611,650, G>T. VCF-style: chr10-79611650-G-T. GRCh37 (hg19) VCF-style: chr10-81371406-G-T.
Other names: c.-23-153G>T (NM_001164646.2, NM_001164644.2, NM_001164647.1); c.22+9G>T (NM_001164645.2, NM_001093770.3).
Identifiers: ClinVar variation 4985376 (VCV004985376.1).